The following is an entry in ClinVar:

ClinVar aggregate classification (germline): Uncertain significance (1 of 4 stars; one submission).

Conditions:
Spastic paraplegia. Identifiers: MedGen C0037772, HP:0001258.

Allele frequency attached by ClinVar (database versions not stated): gnomAD 0.00001; gnomAD exomes 0.00001; TOPMed 0.00001; ExAC 0.00002.
gnomAD v4.1: 12 of 1,613,538 alleles (0.00074%); highest among the groups gnomAD compares: South Asian, 0.0044%; no homozygotes.

Submission:

Labcorp Genetics (formerly Invitae), Labcorp
Classification: Uncertain significance for Spastic paraplegia. Last evaluated: 2024-04-29. Review status: criteria provided, single submitter. Criteria: Invitae Variant Classification Sherloc (09022015). Collection method: clinical testing. Allele origin: germline.
Comment: This sequence change replaces asparagine, which is neutral and polar, with serine, which is neutral and polar, at codon 468 of the AP4E1 protein (p.Asn468Ser). This variant is present in population databases (rs780651589, gnomAD 0.003%). This variant has not been reported in the literature in individuals affected with AP4E1-related conditions. ClinVar contains an entry for this variant (Variation ID: 1433782). Algorithms developed to predict the effect of missense changes on protein structure and function output the following: SIFT: "Not Available"; PolyPhen-2: "Benign"; Align-GVGD: "Not Available". The serine amino acid residue is found in multiple mammalian species, which suggests that this missense change does not adversely affect protein function. In summary, the available evidence is currently insufficient to determine the role of this variant in disease. Therefore, it has been classified as a Variant of Uncertain Significance.

NM_007347.5(AP4E1):c.1403A>G (p.Asn468Ser)

Gene: AP4E1 (adaptor related protein complex 4 subunit epsilon 1; plus strand). Cytogenetic location: 15q21.2.
Variant type: single nucleotide variant.
Coding change: c.1403A>G on transcript NM_007347.5 (MANE Select); coding-DNA position 1403, A replaced by G.
Protein change: p.Asn468Ser; replaces asparagine 468 with serine.
Molecular consequence: missense variant.
Genome position (GRCh38, 1-based): chr15:50,949,912, A>G. VCF-style: chr15-50949912-A-G. GRCh37 (hg19) VCF-style: chr15-51242109-A-G.
Other names: c.1178A>G, p.Asn393Ser (NM_001252127.2); short protein forms N468S, N393S.
Identifiers: ClinVar variation 1433782 (VCV001433782.5), dbSNP rs780651589, ClinGen allele CA7559057.
Genomic context (GRCh38, chr15:50,949,912, plus strand): 5'-TTCAGACAATGAATGCTGTGTTTTCAGTAGGAGGAGATGTAATGCATCCTGATATTCCCA[A>G]TAACTTTCTGAGACTACTAGCGGAAGGTTGGTACACTATTATATTCTGTAAAGTAAACAT-3'
Protein context (NP_031373.2, residues 458-478): GGDVMHPDIP[Asn468Ser]NFLRLLAEGF